The following is an entry in ClinVar:

NM_022041.4(GAN):c.25G>T (p.Asp9Tyr)

Genes: GAN (gigaxonin; plus strand), LOC130059498 (ATAC-STARR-seq lymphoblastoid silent region 7753; plus strand). Cytogenetic location: 16q23.2.
Variant type: single nucleotide variant.
Coding change: c.25G>T on transcript NM_022041.4 (MANE Select); coding-DNA position 25, G replaced by T.
Protein change: p.Asp9Tyr; replaces aspartic acid 9 with tyrosine.
Molecular consequence: missense variant. On other transcripts: 5 prime UTR variant (1).
Genome position (GRCh38, 1-based): chr16:81,315,138, G>T. VCF-style: chr16-81315138-G-T. GRCh37 (hg19) VCF-style: chr16-81348743-G-T.
Other names: c.-500G>T (NM_001377486.1); short protein forms D9Y.
Identifiers: ClinVar variation 1385949 (VCV001385949.6), dbSNP rs1908985101, ClinGen allele CA396854365.
Genomic context (GRCh38, chr16:81,315,138, plus strand): 5'-GGAGCCGGACCCGTCGGCAGAGGAGCGGGCGCCGCGATGGCTGAGGGCAGTGCCGTGTCT[G>T]ACCCTCAGCACGCCGCGCGTCTGCTGCGAGCGCTCAGCTCTTTCCGCGAGGAGTCTCGCT-3'
Protein context (NP_071324.1, residues 1-19): MAEGSAVS[Asp9Tyr]PQHAARLLRA

ClinVar aggregate classification (germline): Uncertain significance (1 of 4 stars; one submission).

Conditions:
Giant axonal neuropathy 1 (GAN1). Also called: GIANT AXONAL NEUROPATHY 1, AUTOSOMAL RECESSIVE; GAN-Related Neurodegeneration. Identifiers: Orphanet 643, MedGen C1850386, MONDO:0009749, OMIM 256850.

Submission:

Labcorp Genetics (formerly Invitae), Labcorp
Classification: Uncertain significance for Giant axonal neuropathy 1. Last evaluated: 2021-12-02. Review status: criteria provided, single submitter. Criteria: Invitae Variant Classification Sherloc (09022015). Collection method: clinical testing. Allele origin: germline.
Comment: This variant has not been reported in the literature in individuals affected with GAN-related conditions. In summary, the available evidence is currently insufficient to determine the role of this variant in disease. Therefore, it has been classified as a Variant of Uncertain Significance. Algorithms developed to predict the effect of missense changes on protein structure and function are either unavailable or do not agree on the potential impact of this missense change (SIFT: "Tolerated"; PolyPhen-2: "Possibly Damaging"; Align-GVGD: "Class C0"). This variant is not present in population databases (gnomAD no frequency). This sequence change replaces aspartic acid, which is acidic and polar, with tyrosine, which is neutral and polar, at codon 9 of the GAN protein (p.Asp9Tyr).